The following is an entry in ClinVar:

ClinVar aggregate classification (germline): Uncertain significance (1 of 4 stars; one submission).

gnomAD v4.1: 6 of 1,612,526 alleles (0.00037%); highest among the groups gnomAD compares: South Asian, 0.0044%; no homozygotes.

Submission:

Labcorp Genetics (formerly Invitae), Labcorp
Classification: Uncertain significance. Last evaluated: 2025-09-17. Review status: criteria provided, single submitter. Criteria: Invitae Variant Classification Sherloc (09022015). Collection method: clinical testing. Allele origin: germline.
Comment: This sequence change replaces methionine, which is neutral and non-polar, with isoleucine, which is neutral and non-polar, at codon 509 of the POC5 protein (p.Met509Ile). This variant is present in population databases (no rsID available, gnomAD 0.007%). This variant has not been reported in the literature in individuals affected with POC5-related conditions. An algorithm developed to predict the effect of missense changes on protein structure and function (PolyPhen-2) suggests that this variant is likely to be disruptive. In summary, the available evidence is currently insufficient to determine the role of this variant in disease. Therefore, it has been classified as a Variant of Uncertain Significance.

NM_001099271.2(POC5):c.1527G>A (p.Met509Ile)

Gene: POC5 (POC5 centriolar protein; minus strand). Cytogenetic location: 5q13.3.
Variant type: single nucleotide variant.
Coding change: c.1527G>A on transcript NM_001099271.2 (MANE Select); coding-DNA position 1527, G replaced by A.
Protein change: p.Met509Ile; replaces methionine 509 with isoleucine.
Molecular consequence: missense variant.
Genome position (GRCh38, 1-based): chr5:75,677,831, C>T on the plus strand (G>A on the coding strand, the complement: POC5 is on the minus strand). VCF-style: chr5-75677831-C-T. GRCh37 (hg19) VCF-style: chr5-74973656-C-T.
Other names: c.1452G>A, p.Met484Ile (NM_152408.3); short protein forms M484I, M509I.
Identifiers: ClinVar variation 4780410 (VCV004780410.1).
Genomic context (GRCh38, chr5:75,677,831, plus strand): 5'-CACCACTGTGACTGGATGATGTTTTTCCACAACAACTGAGCTCATGGGAGGAGAAACTCC[C>T]ATTATAGCTAAACTGCTGCTAATTCTATTTTTTGAAGCAAAATCACATCTTCCTGTGATC-3'
Protein context (NP_001092741.1, residues 499-519): KNRISSSLAI[Met509Ile]GVSPPMSSVV